The following is an entry in ClinVar:

NM_001253852.3(AP4B1):c.1177C>T (p.Arg393Ter)

Genes: AP4B1 (adaptor related protein complex 4 subunit beta 1; minus strand), AP4B1-AS1 (AP4B1 antisense RNA 1; plus strand). Cytogenetic location: 1p13.2.
Variant type: single nucleotide variant.
Coding change: c.1177C>T on transcript NM_001253852.3 (MANE Select); coding-DNA position 1177, C replaced by T.
Protein change: p.Arg393Ter; replaces arginine 393 with a stop codon.
Molecular consequence: nonsense.
Genome position (GRCh38, 1-based): chr1:113,898,739, G>A on the plus strand (C>T on the coding strand, the complement: AP4B1 is on the minus strand). VCF-style: chr1-113898739-G-A. GRCh37 (hg19) VCF-style: chr1-114441361-G-A.
Other names: c.880C>T, p.Arg294Ter (NM_001253853.3); c.673C>T, p.Arg225Ter (NM_001308312.2); c.1177C>T, p.Arg393Ter (NM_006594.5); short protein forms R393*, R294*, R225*.
Identifiers: ClinVar variation 539527 (VCV000539527.15), dbSNP rs374894037, ClinGen allele CA1015885.

ClinVar aggregate classification (germline): Pathogenic. Review status: criteria provided, multiple submitters, no conflicts (2 of 4 stars). 6 submissions from 6 submitters: Pathogenic (5). 1 of the submissions does not count toward it. Last evaluated 2025-07-15.

Conditions:
Spastic paraplegia. Identifiers: MedGen C0037772, HP:0001258.
Hereditary spastic paraplegia 47. Also called: Spastic paraplegia 47, autosomal recessive; CEREBRAL PALSY, SPASTIC QUADRIPLEGIC, 5; adaptor protein 4 (AP-4) deficiency syndrome. Identifiers: Orphanet 280763, MedGen C3279738, MONDO:0013551, OMIM 614066.

Allele frequency attached by ClinVar (database versions not stated): gnomAD exomes below 0.00001; ExAC 0.00001; gnomAD 0.00003 and 0.00004; TOPMed 0.00003; ESP Exome Variant Server 0.00008.

Submissions (6):

Labcorp Genetics (formerly Invitae), Labcorp
Classification: Pathogenic for Hereditary spastic paraplegia 47. Last evaluated: 2025-07-15. Review status: criteria provided, single submitter. Criteria: Invitae Variant Classification Sherloc (09022015). Collection method: clinical testing. Allele origin: germline.
Comment: This sequence change creates a premature translational stop signal (p.Arg393*) in the AP4B1 gene. It is expected to result in an absent or disrupted protein product. Loss-of-function variants in AP4B1 are known to be pathogenic (PMID: 22290197, 24700674, 24781758). The frequency data for this variant in the population databases is considered unreliable, as metrics indicate poor data quality at this position in the gnomAD database. This premature translational stop signal has been observed in individuals with hereditary spastic paraplegia (PMID: 32979048). ClinVar contains an entry for this variant (Variation ID: 539527). For these reasons, this variant has been classified as Pathogenic.

Genome-Nilou Lab
Classification: Pathogenic for Hereditary spastic paraplegia 47. Last evaluated: 2023-04-11. Review status: criteria provided, single submitter. Criteria: ACMG Guidelines, 2015. Collection method: clinical testing. Allele origin: germline. Affected: no.

Dasa
Classification: Pathogenic for Hereditary spastic paraplegia 47. Last evaluated: 2022-11-03. Review status: criteria provided, single submitter. Criteria: ACMG Guidelines, 2015. Collection method: clinical testing. Allele origin: germline. Observed: 1 variant allele.
Comment: The c.1177C>T;p.(Arg393*) variant creates a premature translational stop signal in the AP4B1 gene. It is expected to result in an absent or disrupted protein product - PVS1. ClinVar contains an entry for this variant (ClinVar ID: 539527) - PS4_supporting. The variant is present at low allele frequencies population databases (rs374894037 – gnomAD 0.0003948%; ABraOM 0.000427 frequency) - PM2_supporting. In summary, the currently available evidence indicates that the variant is pathogenic.

HudsonAlpha Institute for Biotechnology
Classification: Pathogenic for Hereditary spastic paraplegia 47. Last evaluated: 2019-10-11. Review status: criteria provided, single submitter. Criteria: ACMG Guidelines, 2015. Collection method: research. Allele origin: maternal. Affected: yes. Observed: 1 variant allele. Study: HudsonAlpha-AGHI-WGS.

Paris Brain Institute, Inserm - ICM
Classification: Pathogenic for Hereditary spastic paraplegia 47. Review status: criteria provided, single submitter. Criteria: ACMG Guidelines, 2015. Collection method: clinical testing. Allele origin: unknown. Affected: yes. Observed: 2 variant alleles.

Yale Center for Mendelian Genomics, Yale University
Classification: Likely pathogenic for Spastic paraplegia. Last evaluated: 2020-10-01. Review status: no assertion criteria provided. Collection method: literature only. Allele origin: germline. Affected: yes. Observed: 1 compound heterozygote, 1 homozygote. Study: Yale Center for Mendelian Genomics. Not counted in ClinVar's aggregate classification.

Literature cited by the submitters: PubMed 22290197 (cited by Labcorp Genetics (formerly Invitae), Labcorp); PubMed 24700674 (cited by Labcorp Genetics (formerly Invitae), Labcorp); PubMed 24781758 (cited by Labcorp Genetics (formerly Invitae), Labcorp); PubMed 32979048 (cited by Labcorp Genetics (formerly Invitae), Labcorp and Yale Center for Mendelian Genomics, Yale University).